The following is an entry in ClinVar:

ClinVar aggregate classification (germline): Uncertain significance. Review status: criteria provided, multiple submitters, no conflicts (2 of 4 stars). 2 submissions from 2 submitters: Uncertain significance (2). Last evaluated 2026-02-16.

Conditions:
Distal myopathy with posterior leg and anterior hand involvement. Also called: WILLIAMS DISTAL MYOPATHY. Identifiers: Orphanet 63273, MedGen C3279722, MONDO:0013550, OMIM 614065.
Myofibrillar myopathy 5. Also called: Filaminopathy (type); FILAMINOPATHY, AUTOSOMAL DOMINANT. Identifiers: Orphanet 171445, MedGen C1836050, MONDO:0012289, OMIM 609524.
Hypertrophic cardiomyopathy 26. Also called: Cardiomyopathy, familial hypertrophic, 26. Identifiers: Orphanet 75249, MedGen C4310749, MONDO:0014883, OMIM 617047.
Cardiovascular phenotype. Identifiers: MedGen CN230736.

Submissions (2):

Ambry Genetics
Classification: Uncertain significance for Cardiovascular phenotype. Last evaluated: 2026-02-16. Review status: criteria provided, single submitter. Criteria: Ambry Variant Classification Scheme 2023. Collection method: clinical testing. Allele origin: germline.
Comment: The p.V115L variant (also known as c.343G>T), located in coding exon 1 of the FLNC gene, results from a G to T substitution at nucleotide position 343. The valine at codon 115 is replaced by leucine, an amino acid with highly similar properties. This amino acid position is highly conserved in available vertebrate species. In addition, this alteration is predicted to be deleterious by in silico analysis. Based on the available evidence, the clinical significance of this variant remains unclear.

Labcorp Genetics (formerly Invitae), Labcorp
Classification: Uncertain significance for Distal myopathy with posterior leg and anterior hand involvement; Myofibrillar myopathy 5; Hypertrophic cardiomyopathy 26. Last evaluated: 2024-08-19. Review status: criteria provided, single submitter. Criteria: Invitae Variant Classification Sherloc (09022015). Collection method: clinical testing. Allele origin: germline.
Comment: This sequence change replaces valine, which is neutral and non-polar, with leucine, which is neutral and non-polar, at codon 115 of the FLNC protein (p.Val115Leu). This variant is not present in population databases (gnomAD no frequency). This variant has not been reported in the literature in individuals affected with FLNC-related conditions. Invitae Evidence Modeling of protein sequence and biophysical properties (such as structural, functional, and spatial information, amino acid conservation, physicochemical variation, residue mobility, and thermodynamic stability) has been performed for this missense variant. However, the output from this modeling did not meet the statistical confidence thresholds required to predict the impact of this variant on FLNC protein function. In summary, the available evidence is currently insufficient to determine the role of this variant in disease. Therefore, it has been classified as a Variant of Uncertain Significance.

NM_001458.5(FLNC):c.343G>T (p.Val115Leu)

Gene: FLNC (filamin C; plus strand). Cytogenetic location: 7q32.1.
Variant type: single nucleotide variant.
Coding change: c.343G>T on transcript NM_001458.5 (MANE Select); coding-DNA position 343, G replaced by T.
Protein change: p.Val115Leu; replaces valine 115 with leucine.
Molecular consequence: missense variant.
Genome position (GRCh38, 1-based): chr7:128,830,980, G>T. VCF-style: chr7-128830980-G-T. GRCh37 (hg19) VCF-style: chr7-128471034-G-T.
Other names: c.343G>T, p.Val115Leu (NM_001127487.2); short protein forms V115L.
Identifiers: ClinVar variation 3757736 (VCV003757736.3).
Genomic context (GRCh38, chr7:128,830,980, plus strand): 5'-ATGAAGCTGGAGAACGTGTCCGTGGCCCTCGAGTTCCTCGAGCGCGAGCACATCAAGCTC[G>T]TGTCCATAGGTCAGTGCCGGGGGCGAGGGCACGGGCGCTGCGGGGATAGGGTCGTCCCAT-3'
Protein context (NP_001449.3, residues 105-125): EFLEREHIKL[Val115Leu]SIDSKAIVDG